The following is an entry in ClinVar:

NM_000821.7(GGCX):c.1498T>G (p.Ser500Ala)

Gene: GGCX (gamma-glutamyl carboxylase; minus strand). Cytogenetic location: 2p11.2.
Variant type: single nucleotide variant.
Coding change: c.1498T>G on transcript NM_000821.7 (MANE Select); coding-DNA position 1498, T replaced by G.
Protein change: p.Ser500Ala; replaces serine 500 with alanine.
Molecular consequence: missense variant.
Genome position (GRCh38, 1-based): chr2:85,551,923, A>C on the plus strand (T>G on the coding strand, the complement: GGCX is on the minus strand). VCF-style: chr2-85551923-A-C. GRCh37 (hg19) VCF-style: chr2-85779046-A-C.
Other names: c.1498T>G (NM_000821.5); c.1327T>G, p.Ser443Ala (NM_001142269.4); short protein forms S500A, S443A.
Identifiers: ClinVar variation 1415170 (VCV001415170.7), dbSNP rs146811957, ClinGen allele CA1741794.

ClinVar aggregate classification (germline): Uncertain significance. Review status: criteria provided, multiple submitters, no conflicts (2 of 4 stars). 3 submissions from 3 submitters: Uncertain significance (3). Last evaluated 2025-04-24.

Conditions:
Inborn genetic diseases. Identifiers: MedGen C0950123, MeSH D030342.

Allele frequency attached by ClinVar (database versions not stated): TOPMed 0.00003; gnomAD exomes 0.00004 and 0.00005; ExAC 0.00006; gnomAD 0.00007; ESP Exome Variant Server 0.00015.
gnomAD v4.1: 68 of 1,613,646 alleles (0.0042%); highest among the groups gnomAD compares: Non-Finnish European, 0.0057%; no homozygotes.

Submissions (3):

GeneDx
Classification: Uncertain significance. Last evaluated: 2025-04-24. Review status: criteria provided, single submitter. Criteria: GeneDx Variant Classification Process June 2021. Collection method: clinical testing. Allele origin: germline. Affected: yes.
Comment: In silico analysis indicates that this missense variant does not alter protein structure/function; Has not been previously published as pathogenic or benign to our knowledge

Ambry Genetics
Classification: Uncertain significance for Inborn genetic diseases. Last evaluated: 2024-11-08. Review status: criteria provided, single submitter. Criteria: Ambry Variant Classification Scheme 2023. Collection method: clinical testing. Allele origin: germline.

Labcorp Genetics (formerly Invitae), Labcorp
Classification: Uncertain significance. Last evaluated: 2022-03-26. Review status: criteria provided, single submitter. Criteria: Invitae Variant Classification Sherloc (09022015). Collection method: clinical testing. Allele origin: germline.
Comment: This sequence change replaces serine, which is neutral and polar, with alanine, which is neutral and non-polar, at codon 500 of the GGCX protein (p.Ser500Ala). This variant is present in population databases (rs146811957, gnomAD 0.01%). This variant has not been reported in the literature in individuals affected with GGCX-related conditions. Algorithms developed to predict the effect of missense changes on protein structure and function (SIFT, PolyPhen-2, Align-GVGD) all suggest that this variant is likely to be tolerated. In summary, the available evidence is currently insufficient to determine the role of this variant in disease. Therefore, it has been classified as a Variant of Uncertain Significance.